The following is an entry in ClinVar:

ClinVar aggregate classification (germline): Pathogenic (1 of 4 stars; one submission).

Conditions:
Alagille syndrome due to a JAG1 point mutation. Also called: Alagille Syndrome 1; HEPATIC DUCTULAR HYPOPLASIA, SYNDROMATIC; JAG1-Related Alagille Syndrome. Identifiers: Orphanet 261619, Orphanet 52, MedGen C1956125, MONDO:0016862, OMIM 118450.

Submission:

Labcorp Genetics (formerly Invitae), Labcorp
Classification: Pathogenic for Alagille syndrome due to a JAG1 point mutation. Last evaluated: 2022-10-13. Review status: criteria provided, single submitter. Criteria: Invitae Variant Classification Sherloc (09022015). Collection method: clinical testing. Allele origin: germline.
Comment: For these reasons, this variant has been classified as Pathogenic. ClinVar contains an entry for this variant (Variation ID: 1404172). This variant has not been reported in the literature in individuals affected with JAG1-related conditions. This variant is not present in population databases (gnomAD no frequency). This sequence change creates a premature translational stop signal (p.Tyr261*) in the JAG1 gene. It is expected to result in an absent or disrupted protein product. Loss-of-function variants in JAG1 are known to be pathogenic (PMID: 11180599).

Literature cited by the submitters: PubMed 11180599.

NM_000214.3(JAG1):c.783C>G (p.Tyr261Ter)

Gene: JAG1 (jagged canonical Notch ligand 1; minus strand). Cytogenetic location: 20p12.2.
Variant type: single nucleotide variant.
Coding change: c.783C>G on transcript NM_000214.3 (MANE Select); coding-DNA position 783, C replaced by G.
Protein change: p.Tyr261Ter; replaces tyrosine 261 with a stop codon.
Molecular consequence: nonsense.
Genome position (GRCh38, 1-based): chr20:10,652,571, G>C on the plus strand (C>G on the coding strand, the complement: JAG1 is on the minus strand). VCF-style: chr20-10652571-G-C. GRCh37 (hg19) VCF-style: chr20-10633219-G-C.
Other names: short protein forms Y261*.
Identifiers: ClinVar variation 1404172 (VCV001404172.6), dbSNP rs2122615158, ClinGen allele CA408239430.